The following is an entry in ClinVar:

ClinVar aggregate classification (germline): Uncertain significance (1 of 4 stars; one submission).

Conditions:
KIDINS220-related disorder. Also called: KIDINS220-related condition.

Allele frequency attached by ClinVar (database versions not stated): gnomAD exomes 0.00002; TOPMed 0.00003; ExAC 0.00004; gnomAD 0.00005; 1000 Genomes Project 0.00020; 1000 Genomes Project 30x 0.00031.
gnomAD v4.1: 34 of 1,614,112 alleles (0.0021%); highest among the groups gnomAD compares: East Asian, 0.067%; no homozygotes.

Submission:

PreventionGenetics, part of Exact Sciences
Classification: Uncertain significance for KIDINS220-related condition. Last evaluated: 2024-12-30. Review status: criteria provided, single submitter. Criteria: ACMG Guidelines, 2015. Collection method: clinical testing. Allele origin: germline.
Comment: The KIDINS220 c.4244C>T variant is predicted to result in the amino acid substitution p.Thr1415Ile. To our knowledge, this variant has not been reported in the literature. This variant is reported in 0.11% of alleles in individuals of East Asian descent in gnomAD. Although we suspect that this variant may be benign, at this time, the clinical significance of this variant is uncertain due to the absence of conclusive functional and genetic evidence.

NM_020738.4(KIDINS220):c.4244C>T (p.Thr1415Ile)

Gene: KIDINS220 (kinase D interacting substrate 220; minus strand). Cytogenetic location: 2p25.1.
Variant type: single nucleotide variant.
Coding change: c.4244C>T on transcript NM_020738.4 (MANE Select); coding-DNA position 4244, C replaced by T.
Protein change: p.Thr1415Ile; replaces threonine 1415 with isoleucine.
Molecular consequence: missense variant. On other transcripts: intron variant (6).
Genome position (GRCh38, 1-based): chr2:8,731,792, G>A on the plus strand (C>T on the coding strand, the complement: KIDINS220 is on the minus strand). VCF-style: chr2-8731792-G-A. GRCh37 (hg19) VCF-style: chr2-8871922-G-A.
Other names: c.4247C>T, p.Thr1416Ile (NM_001348729.2); c.4190C>T, p.Thr1397Ile (NM_001348731.2); c.4187C>T, p.Thr1396Ile (NM_001348732.2); c.4076C>T, p.Thr1359Ile (NM_001348734.2); c.4073C>T, p.Thr1358Ile (NM_001348735.2); c.3947C>T, p.Thr1316Ile (NM_001348736.2); c.3882+1652C>T (NM_001348741.2, NM_001348742.2, NM_001348743.2); c.3996+1652C>T (NM_001348738.2); and 1 more; short protein forms T1316I, T1358I, T1359I, T1396I, T1397I, T1415I, T1416I.
Identifiers: ClinVar variation 3041438 (VCV003041438.3), dbSNP rs532375356, ClinGen allele CA1519400.